The following is an entry in ClinVar:

NM_004370.6(COL12A1):c.5858G>T (p.Arg1953Leu)

Gene: COL12A1 (collagen type XII alpha 1 chain; minus strand). Cytogenetic location: 6q13.
Variant type: single nucleotide variant.
Coding change: c.5858G>T on transcript NM_004370.6 (MANE Select); coding-DNA position 5858, G replaced by T.
Protein change: p.Arg1953Leu; replaces arginine 1953 with leucine.
Molecular consequence: missense variant.
Genome position (GRCh38, 1-based): chr6:75,132,019, C>A on the plus strand (G>T on the coding strand, the complement: COL12A1 is on the minus strand). VCF-style: chr6-75132019-C-A. GRCh37 (hg19) VCF-style: chr6-75841735-C-A.
Other names: c.5858G>T, p.Arg1953Leu (NM_001424113.1); c.5837G>T, p.Arg1946Leu (NM_001424114.1); c.5585G>T, p.Arg1862Leu (NM_001424115.1); c.2366G>T, p.Arg789Leu (NM_001424116.1, NM_080645.3); short protein forms R1953L, R1862L, R1946L, R789L.
Identifiers: ClinVar variation 2927203 (VCV002927203.3), dbSNP rs367908043, ClinGen allele CA364732956.

ClinVar aggregate classification (germline): Uncertain significance (1 of 4 stars; one submission).

Conditions:
Ullrich congenital muscular dystrophy 2 (UCMD2). Identifiers: Orphanet 75840, MedGen C4225314, MONDO:0014654, OMIM 616470.
Bethlem myopathy 2 (BTHLM2). Identifiers: Orphanet 536516, Orphanet 610, MedGen C4225313, MONDO:0034022, OMIM 616471.

gnomAD v4.1: 4 of 1,614,098 alleles (0.00025%); highest among the groups gnomAD compares: Non-Finnish European, 0.00034%; no homozygotes.

Submission:

Labcorp Genetics (formerly Invitae), Labcorp
Classification: Uncertain significance for Bethlem myopathy 2; Ullrich congenital muscular dystrophy 2. Last evaluated: 2024-01-08. Review status: criteria provided, single submitter. Criteria: Invitae Variant Classification Sherloc (09022015). Collection method: clinical testing. Allele origin: germline.
Comment: This sequence change replaces arginine, which is basic and polar, with leucine, which is neutral and non-polar, at codon 1953 of the COL12A1 protein (p.Arg1953Leu). This variant is present in population databases (no rsID available, gnomAD 0.003%). This variant has not been reported in the literature in individuals affected with COL12A1-related conditions. Advanced modeling of protein sequence and biophysical properties (such as structural, functional, and spatial information, amino acid conservation, physicochemical variation, residue mobility, and thermodynamic stability) performed at Invitae indicates that this missense variant is not expected to disrupt COL12A1 protein function with a negative predictive value of 80%. In summary, the available evidence is currently insufficient to determine the role of this variant in disease. Therefore, it has been classified as a Variant of Uncertain Significance.